The following is an entry in ClinVar:

ClinVar aggregate classification (germline): Likely benign (1 of 4 stars; one submission).

gnomAD v4.1: 6,684 of 1,614,168 alleles (0.41%); highest among the groups gnomAD compares: Admixed American, 0.89%; 22 homozygotes.

Submission:

CeGaT Center for Human Genetics Tuebingen
Classification: Likely benign. Last evaluated: 2025-06-01. Review status: criteria provided, single submitter. Criteria: CeGaT Center For Human Genetics Tuebingen Variant Classification Criteria Version 2. Collection method: clinical testing. Allele origin: germline. Affected: yes. Observed: 1 variant allele.
Comment: AFF1: BP4, BS2

NM_001166693.3(AFF1):c.2651C>T (p.Pro884Leu)

Gene: AFF1 (ALF transcription elongation factor 1; plus strand). Cytogenetic location: 4q22.1.
Variant type: single nucleotide variant.
Coding change: c.2651C>T on transcript NM_001166693.3 (MANE Select); coding-DNA position 2651, C replaced by T.
Protein change: p.Pro884Leu; replaces proline 884 with leucine.
Molecular consequence: missense variant.
Genome position (GRCh38, 1-based): chr4:87,126,176, C>T. VCF-style: chr4-87126176-C-T. GRCh37 (hg19) VCF-style: chr4-88047328-C-T.
Other names: c.2630C>T, p.Pro877Leu (NM_001313959.2, NM_005935.4); c.1544C>T, p.Pro515Leu (NM_001313960.2); short protein forms P515L, P877L, P884L.
Identifiers: ClinVar variation 3904797 (VCV003904797.10).